The following is an entry in ClinVar:

NM_201384.3(PLEC):c.6018G>A (p.Ala2006=)

Gene: PLEC (plectin; minus strand). Cytogenetic location: 8q24.3.
Variant type: single nucleotide variant.
Coding change: c.6018G>A on transcript NM_201384.3 (MANE Select); coding-DNA position 6018, G replaced by A.
Protein change: p.Ala2006=; no amino-acid change (alanine 2006 retained).
Molecular consequence: synonymous variant.
Genome position (GRCh38, 1-based): chr8:143,923,911, C>T on the plus strand (G>A on the coding strand, the complement: PLEC is on the minus strand). VCF-style: chr8-143923911-C-T. GRCh37 (hg19) VCF-style: chr8-144998079-C-T.
Other names: c.6099G>A, p.Ala2033= (NM_000445.5); c.5976G>A, p.Ala1992= (NM_201378.4); c.5952G>A, p.Ala1984= (NM_201379.3); c.6429G>A, p.Ala2143= (NM_201380.4); c.5922G>A, p.Ala1974= (NM_201381.3); c.6018G>A, p.Ala2006= (NM_201382.4); c.6030G>A, p.Ala2010= (NM_201383.3).
Identifiers: ClinVar variation 1337607 (VCV001337607.8), dbSNP rs782381723, ClinGen allele CA4926141.
Genomic context (GRCh38, chr8:143,923,911, plus strand): 5'-CTCCCGCAGGCGCCGCGCCTCCTCCACCTTGGCTTTCAGCCGCTCGACTTCCTCCAGCGC[C>T]GCCTTCCGCTGCCGTGCGGCCTCCTCCTCGGCCGCCAGGCTCTTCTGCACGCGCTCCTCA-3'
Protein context (NP_958786.1, residues 1996-2016): AEEEAARQRK[Ala2006=]ALEEVERLKA

ClinVar aggregate classification (germline): Conflicting classifications of pathogenicity. Review status: criteria provided, conflicting classifications (1 of 4 stars). 3 submissions from 3 submitters: Uncertain significance (1); Likely benign (2). Last evaluated 2026-05-01.

Conditions:
Epidermolysis bullosa simplex, Ogna type (EBS5A). Also called: Pidermolysis bullosa simplex 5A, Ogna type; EPIDERMOLYSIS BULLOSA SIMPLEX 5A, OGNA TYPE. Identifiers: Orphanet 79401, MedGen C0432317, MONDO:0007555, OMIM 131950.
Epidermolysis bullosa simplex 5C, with pyloric atresia (EBS5C). Also called: PLEC1-Related Epidermolysis Bullosa with Pyloric Atresia; PLEC-Related Epidermolysis Bullosa with Pyloric Atresia; Epidermolysis bullosa simplex with pyloric atresia. Identifiers: Orphanet 158684, MedGen C2677349, MONDO:0012807, OMIM 612138.
Epidermolysis bullosa simplex with nail dystrophy (EBS5D). Identifiers: MedGen C4225309, MONDO:0014661, OMIM 616487.
Autosomal recessive limb-girdle muscular dystrophy type 2Q (LGMDR17). Also called: MUSCULAR DYSTROPHY, LIMB-GIRDLE, AUTOSOMAL RECESSIVE 17. Identifiers: Orphanet 254361, MedGen C3150989, MONDO:0013390, OMIM 613723.
Epidermolysis bullosa simplex 5B, with muscular dystrophy (EBS5B). Also called: EPIDERMOLYSIS BULLOSA SIMPLEX AND LIMB-GIRDLE MUSCULAR DYSTROPHY; Epidermolysis bullosa simplex with muscular dystrophy. Identifiers: Orphanet 257, MedGen C2931072, MONDO:0009181, OMIM 226670.

Allele frequency attached by ClinVar (database versions not stated): gnomAD 0.00003; gnomAD exomes 0.00003; TOPMed 0.00003; ExAC 0.00005.
gnomAD v4.1: 120 of 1,595,056 alleles (0.0075%); highest among the groups gnomAD compares: Non-Finnish European, 0.0097%; no homozygotes.

Submissions (3):

CeGaT Center for Human Genetics Tuebingen
Classification: Likely benign. Last evaluated: 2026-05-01. Review status: criteria provided, single submitter. Criteria: CeGaT Center For Human Genetics Tuebingen Variant Classification Criteria Version 2. Collection method: clinical testing. Allele origin: germline. Affected: yes. Observed: 1 variant allele.
Comment: PLEC: BP4, BP7

Labcorp Genetics (formerly Invitae), Labcorp
Classification: Likely benign for Autosomal recessive limb-girdle muscular dystrophy type 2Q; Epidermolysis bullosa simplex, Ogna type; Epidermolysis bullosa simplex with nail dystrophy; Epidermolysis bullosa simplex 5C, with pyloric atresia; Epidermolysis bullosa simplex 5B, with muscular dystrophy. Last evaluated: 2025-07-27. Review status: criteria provided, single submitter. Criteria: Invitae Variant Classification Sherloc (09022015). Collection method: clinical testing. Allele origin: germline.

Genetic Services Laboratory, University of Chicago
Classification: Uncertain significance. Last evaluated: 2020-05-08. Review status: criteria provided, single submitter. Criteria: ACMG Guidelines, 2015. Collection method: clinical testing. Allele origin: germline. Affected: no.
Comment: The sequence change, c.6099G>A, is present in exon 32 which does not result in an amino acid change. This sequence change does not appear to have been previously described in patients with PLEC-related disorders. This sequence change has been described in the gnomAD database with a low population frequency 0.0028% (rs782381723). This sequence change is not predicted to have a deleterious effect on splicing based on in silico splice prediction programs. As the c.6099G>A sequence change does not result in a change in the PLEC amino acid sequence, it is possible that this change is non-pathogenic and represents a benign sequence variant of the PLEC gene, however functional studies have not been performed to prove this conclusively. The functional significance of this sequence change is not known at present and its contribution to this patient's disease phenotype cannot definitively be determined.